The following is an entry in ClinVar:

ClinVar aggregate classification (germline): Uncertain significance. Review status: criteria provided, multiple submitters, no conflicts (2 of 4 stars). 2 submissions from 2 submitters: Uncertain significance (2). Last evaluated 2026-07-06.

Conditions:
Hereditary cancer-predisposing syndrome. Also called: Neoplastic Syndromes, Hereditary; Hereditary Cancer Syndrome; Tumor predisposition; Hereditary neoplastic syndrome. Identifiers: Orphanet 140162, MedGen C0027672, MeSH D009386, MONDO:0015356.

gnomAD v4.1: 2 of 1,614,198 alleles (0.00012%); highest among the groups gnomAD compares: Non-Finnish European, 0.00017%; no homozygotes.

Submissions (2):

Ambry Genetics
Classification: Uncertain significance for Hereditary cancer-predisposing syndrome. Last evaluated: 2026-07-06. Review status: criteria provided, single submitter. Criteria: Ambry Variant Classification Scheme 2023. Collection method: clinical testing. Allele origin: germline.
Comment: The p.H229R variant (also known as c.686A>G), located in coding exon 7 of the POLE gene, results from an A to G substitution at nucleotide position 686. The histidine at codon 229 is replaced by arginine, an amino acid with highly similar properties. This amino acid position is highly conserved in available vertebrate species. In addition, the in silico prediction for this alteration is inconclusive. Based on the available evidence, the clinical significance of this variant remains unclear.

Labcorp Genetics (formerly Invitae), Labcorp
Classification: Uncertain significance. Last evaluated: 2026-01-06. Review status: criteria provided, single submitter. Criteria: Invitae Variant Classification Sherloc (09022015). Collection method: clinical testing. Allele origin: germline.
Comment: This sequence change replaces histidine, which is basic and polar, with arginine, which is basic and polar, at codon 229 of the POLE protein (p.His229Arg). This variant is present in population databases (no rsID available, gnomAD 0.0009%). This variant has not been reported in the literature in individuals affected with POLE-related conditions. ClinVar contains an entry for this variant (Variation ID: 952171). Invitae Evidence Modeling of protein sequence and biophysical properties (such as structural, functional, and spatial information, amino acid conservation, physicochemical variation, residue mobility, and thermodynamic stability) indicates that this missense variant is expected to disrupt POLE protein function with a positive predictive value of 80%. In summary, the available evidence is currently insufficient to determine the role of this variant in disease. Therefore, it has been classified as a Variant of Uncertain Significance.

NM_006231.4(POLE):c.686A>G (p.His229Arg)

Gene: POLE (DNA polymerase epsilon, catalytic subunit; minus strand). Cytogenetic location: 12q24.33.
Variant type: single nucleotide variant.
Coding change: c.686A>G on transcript NM_006231.4 (MANE Select); coding-DNA position 686, A replaced by G.
Protein change: p.His229Arg; replaces histidine 229 with arginine.
Molecular consequence: missense variant.
Genome position (GRCh38, 1-based): chr12:132,677,612, T>C on the plus strand (A>G on the coding strand, the complement: POLE is on the minus strand). VCF-style: chr12-132677612-T-C. GRCh37 (hg19) VCF-style: chr12-133254198-T-C.
Other names: c.686A>G (NM_006231.2); short protein forms H229R.
Identifiers: ClinVar variation 952171 (VCV000952171.10), dbSNP rs1482513360, ClinGen allele CA387364764.